The following is an entry in ClinVar:

ClinVar aggregate classification (germline): Conflicting classifications of pathogenicity. Review status: criteria provided, conflicting classifications (1 of 4 stars). 2 submissions from 2 submitters: Uncertain significance (1); Likely benign (1). Last evaluated 2025-07-01.

Conditions:
FRAXE. Also called: FRAXE intellectual disability; Fragile XE syndrome; FRAXE Syndrome; Intellectual developmental disorder, X-linked 109; Intellectual disability, X-linked, FRAXE type. Identifiers: Orphanet 100973, MedGen C0751157, MONDO:0010659, OMIM 309548. Disease mechanism: loss of function.

gnomAD v4.1: 3 of 1,211,973 alleles (0.00025%); highest among the groups gnomAD compares: Middle Eastern, 0.023%; no homozygotes.

Submissions (2):

CeGaT Center for Human Genetics Tuebingen
Classification: Likely benign. Last evaluated: 2025-07-01. Review status: criteria provided, single submitter. Criteria: CeGaT Center For Human Genetics Tuebingen Variant Classification Criteria Version 2. Collection method: clinical testing. Allele origin: germline. Affected: yes. Observed: 1 variant allele.
Comment: AFF2: BP4

Clinical Genomics Laboratory, Stanford Medicine
Classification: Uncertain significance for FRAXE. Last evaluated: 2022-12-02. Review status: criteria provided, single submitter. Criteria: ACMG Guidelines, 2015. Collection method: clinical testing. Allele origin: maternal. Affected: yes. Observed: 2 variant alleles, 1 heterozygote, 1 hemizygote.
Comment: The p.Ile301Val variant in the AFF2 gene has not been previously reported in association with disease. This variant was absent from large population databases, including the Genome Aggregation Database. This variant is located in the N-terminal region of AFF2. Preliminary evidence suggests variants associated with epilepsy may cluster in this region which is known to have transactivation activity (Zou et al., 2022). Computational tools predict that this variant does not impact protein function; however, the accuracy of in silico algorithms is limited. These data were assessed using the ACMG/AMP variant interpretation guidelines. In summary, the significance of the p.Ile301Val variant is uncertain. Additional information is needed to resolve the significance of this variant. [ACMG evidence codes used: PM2; BP4]

Literature cited by the submitters: PubMed 35431806 (cited by Clinical Genomics Laboratory, Stanford Medicine).

NM_002025.4(AFF2):c.901A>G (p.Ile301Val)

Gene: AFF2 (ALF transcription elongation factor 2; plus strand). Cytogenetic location: Xq28.
Variant type: single nucleotide variant.
Coding change: c.901A>G on transcript NM_002025.4 (MANE Select); coding-DNA position 901, A replaced by G.
Protein change: p.Ile301Val; replaces isoleucine 301 with valine.
Molecular consequence: missense variant.
Genome position (GRCh38, 1-based): chrX:148,662,628, A>G. VCF-style: chrX-148662628-A-G. GRCh37 (hg19) VCF-style: chrX-147744149-A-G.
Other names: c.889A>G, p.Ile297Val (NM_001169122.2, NM_001169123.2, NM_001169125.2); c.901A>G, p.Ile301Val (NM_001169124.2); short protein forms I297V, I301V.
Identifiers: ClinVar variation 3572853 (VCV003572853.9).